The following is an entry in ClinVar:

ClinVar aggregate classification (germline): Benign. Review status: reviewed by expert panel (3 of 4 stars). 6 submissions from 6 submitters: Benign (1). 5 of the submissions do not count toward it. Last evaluated 2021-03-26.

Conditions:
Christianson syndrome (MRXSCH). Also called: SLC9A6-Related Syndromic Mental Retardation; X-linked mental retardation, syndromic, Christianson type; INTELLECTUAL DEVELOPMENTAL DISORDER, X-LINKED, SYNDROMIC, CHRISTIANSON TYPE. Identifiers: Orphanet 85278, MedGen C2678194, MONDO:0010278, OMIM 300243.

Allele frequency attached by ClinVar (database versions not stated): gnomAD below 0.00001 and 0.00017; TOPMed 0.00003; gnomAD exomes 0.00037 and 0.00083; ExAC 0.00110; 1000 Genomes Project 30x 0.00166; 1000 Genomes Project 0.00185.
gnomAD v4.1: 404 of 1,132,859 alleles (0.036%); highest among the groups gnomAD compares: South Asian, 0.68%; 2 homozygotes.

Submissions (6):

ClinGen Rett and Angelman-like Disorders Variant Curation Expert Panel
Classification: Benign for Christianson syndrome. Last evaluated: 2021-03-26. Review status: reviewed by expert panel. Criteria: ClinGen RettAS ACMG Specifications V1. Collection method: curation. Allele origin: germline. Inheritance: X-linked inheritance.
Comment: The allele frequency of the c.1552-3C>T variant in SLC9A6 is 0.78% in South Asian sub population in gnomAD, which is high enough to be classified as benign based on thresholds defined by the ClinGen Rett/Angelman-like Expert Panel for Rett/AS-like conditions (BA1). In summary, the c.1552-3C>T variant in SLC9A6 is classified as benign based on the ACMG/AMP criteria (BA1).

Labcorp Genetics (formerly Invitae), Labcorp
Classification: Benign for Christianson syndrome. Last evaluated: 2026-01-28. Review status: criteria provided, single submitter. Criteria: Invitae Variant Classification Sherloc (09022015). Collection method: clinical testing. Allele origin: germline. Not counted in ClinVar's aggregate classification.

Genetic Services Laboratory, University of Chicago
Classification: Benign. Last evaluated: 2017-06-22. Review status: criteria provided, single submitter. Criteria: ACMG Guidelines, 2015. Collection method: clinical testing. Allele origin: germline. Affected: no. Not counted in ClinVar's aggregate classification.

GeneDx
Classification: Benign. Last evaluated: 2016-07-15. Review status: criteria provided, single submitter. Criteria: GeneDx Variant Classification (06012015). Collection method: clinical testing. Allele origin: germline. Affected: yes. Not counted in ClinVar's aggregate classification.
Comment: This variant is considered likely benign or benign based on one or more of the following criteria: it is a conservative change, it occurs at a poorly conserved position in the protein, it is predicted to be benign by multiple in silico algorithms, and/or has population frequency not consistent with disease.

Clinical Genetics DNA and cytogenetics Diagnostics Lab, Erasmus MC, Erasmus Medical Center
Classification: Likely benign. Review status: no assertion criteria provided. Collection method: clinical testing. Allele origin: germline. Affected: yes. Study: VKGL Data-share Consensus. Not counted in ClinVar's aggregate classification.

Genome Diagnostics Laboratory, University Medical Center Utrecht
Classification: Likely benign. Review status: no assertion criteria provided. Collection method: clinical testing. Allele origin: germline. Affected: yes. Study: VKGL Data-share Consensus. Not counted in ClinVar's aggregate classification.

NM_001379110.1(SLC9A6):c.1582-3C>T

Gene: SLC9A6 (solute carrier family 9 member A6; plus strand). Cytogenetic location: Xq26.3.
Variant type: single nucleotide variant.
Coding change: c.1582-3C>T on transcript NM_001379110.1 (MANE Select); 3 bases into the intron before coding-DNA position 1582, C replaced by T.
Molecular consequence: intron variant.
Genome position (GRCh38, 1-based): chrX:136,033,411, C>T. VCF-style: chrX-136033411-C-T. GRCh37 (hg19) VCF-style: chrX-135115570-C-T.
Other names: c.1648-3C>T (NM_001042537.2); c.1552-3C>T (NM_006359.3); c.1492-3C>T (NM_001177651.2); c.1396-3C>T (NM_001330652.2).
Identifiers: ClinVar variation 139206 (VCV000139206.20), dbSNP rs563279759, ClinGen allele CA208905.